The following is an entry in ClinVar:

ClinVar aggregate classification (germline): Likely benign. Review status: criteria provided, multiple submitters, no conflicts (2 of 4 stars). 9 submissions from 7 submitters: Likely benign (9). Last evaluated 2025-11-23.

Conditions:
Hypertrophic cardiomyopathy 2. Also called: TNNT2-Related Familial Hypertrophic Cardiomyopathy. Identifiers: MedGen C1861864, MONDO:0007266, OMIM 115195.
Dilated cardiomyopathy 1D. Identifiers: Orphanet 154, Orphanet 54260, MedGen C1832243, MONDO:0011095, OMIM 601494.
Cardiomyopathy, familial restrictive, 3. Identifiers: Orphanet 75249, MedGen C2676271, MONDO:0012900, OMIM 612422.
Cardiovascular phenotype. Identifiers: MedGen CN230736.
Cardiomyopathy (CMYO). Also called: Cardiomyopathies. Identifiers: Orphanet 167848, MedGen C0878544, MONDO:0004994, HP:0001638. Inheritance: Various modes of inheritance.
TNNT2-related disorder. Also called: TNNT2-related condition.

Allele frequency attached by ClinVar (database versions not stated): gnomAD exomes below 0.00001 and 0.00001; gnomAD 0.00001; TOPMed 0.00001.
gnomAD v4.1: 4 of 1,614,084 alleles (0.00025%); highest among the groups gnomAD compares: Non-Finnish European, 0.00034%; no homozygotes.

Submissions (9):

Labcorp Genetics (formerly Invitae), Labcorp
Classification: Likely benign for Cardiomyopathy, familial restrictive, 3; Hypertrophic cardiomyopathy 2; Dilated cardiomyopathy 1D. Last evaluated: 2025-11-23. Review status: criteria provided, single submitter. Criteria: Invitae Variant Classification Sherloc (09022015). Collection method: clinical testing. Allele origin: germline.

PreventionGenetics, part of Exact Sciences
Classification: Likely benign for TNNT2-related condition. Last evaluated: 2025-08-18. Review status: criteria provided, single submitter. Criteria: ACMG Guidelines, 2015. Collection method: clinical testing. Allele origin: germline.
Comment: This variant is classified as likely benign based on ACMG/AMP sequence variant interpretation guidelines (Richards et al. 2015 PMID: 25741868, with internal and published modifications).

All of Us Research Program, National Institutes of Health
Classification: Likely benign for Cardiomyopathy. Last evaluated: 2024-05-14. Review status: criteria provided, single submitter. Criteria: ACMG Guidelines, 2015. Collection method: clinical testing. Allele origin: germline. Inheritance: Autosomal dominant inheritance. Observed: 3 variant alleles, 3 heterozygotes.
Comment: This study involves interpretation of variants in research participants for the purpose of population health screening. Participant phenotype was not available at the time of variant classification. Additional details can be found in publication PMID: 35346344, PMCID: PMC8962531

Genome-Nilou Lab
Classification: Likely benign for Dilated cardiomyopathy 1D. Last evaluated: 2023-04-11. Review status: criteria provided, single submitter. Criteria: ACMG Guidelines, 2015. Collection method: clinical testing. Allele origin: germline. Affected: no.

Genome-Nilou Lab
Classification: Likely benign for Cardiomyopathy, familial restrictive, 3. Last evaluated: 2023-04-11. Review status: criteria provided, single submitter. Criteria: ACMG Guidelines, 2015. Collection method: clinical testing. Allele origin: germline. Affected: no.

Genome-Nilou Lab
Classification: Likely benign for Hypertrophic cardiomyopathy 2. Last evaluated: 2023-04-11. Review status: criteria provided, single submitter. Criteria: ACMG Guidelines, 2015. Collection method: clinical testing. Allele origin: germline. Affected: no.

Ambry Genetics
Classification: Likely benign for Cardiovascular phenotype. Last evaluated: 2020-08-02. Review status: criteria provided, single submitter. Criteria: Ambry Variant Classification Scheme 2023. Collection method: clinical testing. Allele origin: germline.

Women's Health and Genetics/Laboratory Corporation of America, LabCorp
Classification: Likely benign. Last evaluated: 2020-01-31. Review status: criteria provided, single submitter. Criteria: LabCorp Variant Classification Summary - May 2015. Collection method: clinical testing. Allele origin: germline.

Color Diagnostics, LLC DBA Color Health
Classification: Likely benign for Cardiomyopathy. Last evaluated: 2019-11-24. Review status: criteria provided, single submitter. Criteria: ACMG Guidelines, 2015. Collection method: clinical testing. Allele origin: germline.

NM_001276345.2(TNNT2):c.192G>A (p.Glu64=)

Gene: TNNT2 (troponin T2, cardiac type; minus strand). Cytogenetic location: 1q32.1.
Variant type: single nucleotide variant.
Coding change: c.192G>A on transcript NM_001276345.2 (MANE Select); coding-DNA position 192, G replaced by A.
Protein change: p.Glu64=; no amino-acid change (glutamic acid 64 retained).
Molecular consequence: synonymous variant.
Genome position (GRCh38, 1-based): chr1:201,367,778, C>T on the plus strand (G>A on the coding strand, the complement: TNNT2 is on the minus strand). VCF-style: chr1-201367778-C-T. GRCh37 (hg19) VCF-style: chr1-201336906-C-T.
Other names: c.192G>A, p.Glu64= (NM_000364.4); c.162G>A, p.Glu54= (NM_001001430.3, NM_001001431.3, NM_001276347.2); c.147G>A, p.Glu49= (NM_001001432.3); c.189G>A, p.Glu63= (NM_001276346.2).
Identifiers: ClinVar variation 917666 (VCV000917666.15), dbSNP rs1180516886, ClinGen allele CA077218.